The following is an entry in ClinVar:

NM_002230.4(JUP):c.2189G>A (p.Ser730Asn)

Gene: JUP (junction plakoglobin; minus strand). Cytogenetic location: 17q21.2.
Variant type: single nucleotide variant.
Coding change: c.2189G>A on transcript NM_002230.4 (MANE Select); coding-DNA position 2189, G replaced by A.
Protein change: p.Ser730Asn; replaces serine 730 with asparagine.
Molecular consequence: missense variant.
Genome position (GRCh38, 1-based): chr17:41,755,793, C>T on the plus strand (G>A on the coding strand, the complement: JUP is on the minus strand). VCF-style: chr17-41755793-C-T. GRCh37 (hg19) VCF-style: chr17-39912045-C-T.
Other names: c.2189G>A, p.Ser730Asn (NM_001352773.2, NM_001352774.2, NM_001352775.2 and 3 more transcripts); c.2189G>A (NM_021991.2); short protein forms S730N.
Identifiers: ClinVar variation 958935 (VCV000958935.13), dbSNP rs782261124, ClinGen allele CA8564991.

ClinVar aggregate classification (germline): Conflicting classifications of pathogenicity. Review status: criteria provided, conflicting classifications (1 of 4 stars). 4 submissions from 4 submitters: Uncertain significance (2); Likely benign (1). 1 of the submissions does not count toward it. Last evaluated 2025-07-22.

Conditions:
JUP-related disorder. Also called: JUP-related condition.
Naxos disease (NXD). Also called: CARDIOMYOPATHY, ARRHYTHMOGENIC RIGHT VENTRICULAR, WITH SKIN, HAIR, AND NAIL ABNORMALITIES; PALMOPLANTAR KERATODERMA WITH ARRHYTHMOGENIC RIGHT VENTRICULAR CARDIOMYOPATHY AND WOOLLY HAIR; WOOLLY HAIR, PALMOPLANTAR KERATODERMA, AND CARDIAC ABNORMALITIES; KERATOSIS PALMOPLANTARIS WITH ARRHYTHMOGENIC CARDIOMYOPATHY; MAL DE NAXOS. Identifiers: Orphanet 34217, MedGen C1832600, MONDO:0011017, OMIM 601214.
Arrhythmogenic right ventricular dysplasia 12. Also called: ARRHYTHMOGENIC RIGHT VENTRICULAR DYSPLASIA, FAMILIAL, 12. Identifiers: MedGen C1969081, MONDO:0012684, OMIM 611528.
Cardiovascular phenotype. Identifiers: MedGen CN230736.

Allele frequency attached by ClinVar (database versions not stated): gnomAD exomes below 0.00001 and 0.00001; ExAC 0.00001; gnomAD 0.00003; TOPMed 0.00004.

Submissions (4):

Labcorp Genetics (formerly Invitae), Labcorp
Classification: Uncertain significance for Arrhythmogenic right ventricular dysplasia 12; Naxos disease. Last evaluated: 2025-07-22. Review status: criteria provided, single submitter. Criteria: Invitae Variant Classification Sherloc (09022015). Collection method: clinical testing. Allele origin: germline.
Comment: This sequence change replaces serine, which is neutral and polar, with asparagine, which is neutral and polar, at codon 730 of the JUP protein (p.Ser730Asn). This variant is present in population databases (rs782261124, gnomAD 0.01%). This variant has not been reported in the literature in individuals affected with JUP-related conditions. ClinVar contains an entry for this variant (Variation ID: 958935). An algorithm developed to predict the effect of missense changes on protein structure and function (PolyPhen-2) suggests that this variant is likely to be tolerated. In summary, the available evidence is currently insufficient to determine the role of this variant in disease. Therefore, it has been classified as a Variant of Uncertain Significance.

Ambry Genetics
Classification: Likely benign for Cardiovascular phenotype. Last evaluated: 2023-07-06. Review status: criteria provided, single submitter. Criteria: Ambry Variant Classification Scheme 2023. Collection method: clinical testing. Allele origin: germline.

GeneDx
Classification: Uncertain significance. Last evaluated: 2019-07-30. Review status: criteria provided, single submitter. Criteria: GeneDx Variant Classification Process June 2021. Collection method: clinical testing. Allele origin: germline. Affected: yes.
Comment: Has not been previously published as pathogenic or benign to our knowledge; Not observed at a significant frequency in large population cohorts (Lek et al., 2016); In silico analysis, which includes protein predictors and evolutionary conservation, supports that this variant does not alter protein structure/function

PreventionGenetics, part of Exact Sciences
Classification: Uncertain significance for JUP-related condition. Last evaluated: 2024-08-10. Review status: no assertion criteria provided. Collection method: clinical testing. Allele origin: germline. Not counted in ClinVar's aggregate classification.
Comment: The JUP c.2189G>A variant is predicted to result in the amino acid substitution p.Ser730Asn. To our knowledge, this variant has not been reported in the literature. This variant is reported in 0.012% of alleles in individuals of African descent in gnomAD. At this time, the clinical significance of this variant is uncertain due to the absence of conclusive functional and genetic evidence.